The following is an entry in ClinVar:

ClinVar aggregate classification (germline): Uncertain significance (1 of 4 stars; one submission).

Conditions:
Charcot-Marie-Tooth disease type 4. Also called: Charcot-Marie-Tooth, Type 4; Charcot-Marie-Tooth disease, type IV. Identifiers: Orphanet 64749, MedGen C4082197, MONDO:0018995.

Allele frequency attached by ClinVar (database versions not stated): ExAC 0.00002; TOPMed below 0.00001; gnomAD 0.00001; gnomAD exomes 0.00002.
gnomAD v4.1: 34 of 1,613,676 alleles (0.0021%); highest among the groups gnomAD compares: South Asian, 0.029%; no homozygotes.

Submission:

Labcorp Genetics (formerly Invitae), Labcorp
Classification: Uncertain significance for Charcot-Marie-Tooth disease type 4. Last evaluated: 2021-10-31. Review status: criteria provided, single submitter. Criteria: Invitae Variant Classification Sherloc (09022015). Collection method: clinical testing. Allele origin: germline.
Comment: This variant has not been reported in the literature in individuals affected with SBF2-related conditions. The frequency data for this variant in the population databases is considered unreliable, as metrics indicate poor data quality at this position in the gnomAD database. This sequence change falls in intron 35 of the SBF2 gene. It does not directly change the encoded amino acid sequence of the SBF2 protein. It affects a nucleotide within the consensus splice site. Variants that disrupt the consensus splice site are a relatively common cause of aberrant splicing (PMID: 17576681, 9536098). Algorithms developed to predict the effect of sequence changes on RNA splicing suggest that this variant may disrupt the consensus splice site. In summary, the available evidence is currently insufficient to determine the role of this variant in disease. Therefore, it has been classified as a Variant of Uncertain Significance.

Literature cited by the submitters: PubMed 17576681; PubMed 9536098.

NM_030962.4(SBF2):c.4932+5G>A

Genes: SBF2 (SET binding factor 2; minus strand), SBF2-AS1 (SBF2 antisense RNA 1; plus strand), LOC105369149 (uncharacterized LOC105369149; plus strand). Cytogenetic location: 11p15.4.
Variant type: single nucleotide variant.
Coding change: c.4932+5G>A on transcript NM_030962.4 (MANE Select); 5 bases into the intron after coding-DNA position 4932, G replaced by A.
Molecular consequence: intron variant.
Genome position (GRCh38, 1-based): chr11:9,789,104, C>T on the plus strand (G>A on the coding strand, the complement: SBF2 is on the minus strand). VCF-style: chr11-9789104-C-T. GRCh37 (hg19) VCF-style: chr11-9810651-C-T.
Other names: c.4803+5G>A (NM_001386342.1); c.5028+5G>A (NM_001386339.1).
Identifiers: ClinVar variation 1524287 (VCV001524287.5), dbSNP rs764275849, ClinGen allele CA5880868.